The following is an entry in ClinVar:

NM_015072.5(TTLL5):c.331C>A (p.Arg111Ser)

Gene: TTLL5 (tubulin tyrosine ligase like 5; plus strand). Cytogenetic location: 14q24.3.
Variant type: single nucleotide variant.
Coding change: c.331C>A on transcript NM_015072.5 (MANE Select); coding-DNA position 331, C replaced by A.
Protein change: p.Arg111Ser; replaces arginine 111 with serine.
Molecular consequence: missense variant.
Genome position (GRCh38, 1-based): chr14:75,683,616, C>A. VCF-style: chr14-75683616-C-A. GRCh37 (hg19) VCF-style: chr14-76149959-C-A.
Other names: short protein forms R111S.
Identifiers: ClinVar variation 938216 (VCV000938216.7), dbSNP rs761381633, ClinGen allele CA7278885.

ClinVar aggregate classification (germline): Uncertain significance. Review status: criteria provided, multiple submitters, no conflicts (2 of 4 stars). 3 submissions from 3 submitters: Uncertain significance (3). Last evaluated 2025-10-29.

Conditions:
Inborn genetic diseases. Identifiers: MedGen C0950123, MeSH D030342.

Allele frequency attached by ClinVar (database versions not stated): TOPMed 0.00004.
gnomAD v4.1: 79 of 1,613,886 alleles (0.0049%); highest among the groups gnomAD compares: Admixed American, 0.0017%; no homozygotes.

Submissions (3):

Ambry Genetics
Classification: Uncertain significance for Inborn genetic diseases. Last evaluated: 2025-10-29. Review status: criteria provided, single submitter. Criteria: Ambry Variant Classification Scheme 2023. Collection method: clinical testing. Allele origin: germline.

Blueprint Genetics
Classification: Uncertain significance. Last evaluated: 2024-09-17. Review status: criteria provided, single submitter. Criteria: ACMG Guidelines, 2015. Collection method: clinical testing. Allele origin: germline.

Labcorp Genetics (formerly Invitae), Labcorp
Classification: Uncertain significance. Last evaluated: 2023-08-24. Review status: criteria provided, single submitter. Criteria: Invitae Variant Classification Sherloc (09022015). Collection method: clinical testing. Allele origin: germline.
Comment: Advanced modeling of protein sequence and biophysical properties (such as structural, functional, and spatial information, amino acid conservation, physicochemical variation, residue mobility, and thermodynamic stability) performed at Invitae indicates that this missense variant is not expected to disrupt TTLL5 protein function. In summary, the available evidence is currently insufficient to determine the role of this variant in disease. Therefore, it has been classified as a Variant of Uncertain Significance. ClinVar contains an entry for this variant (Variation ID: 938216). This variant has not been reported in the literature in individuals affected with TTLL5-related conditions. This variant is present in population databases (rs761381633, gnomAD 0.2%). This sequence change replaces arginine, which is basic and polar, with serine, which is neutral and polar, at codon 111 of the TTLL5 protein (p.Arg111Ser).